The following is an entry in ClinVar:

ClinVar aggregate classification (germline): Likely benign. Review status: criteria provided, single submitter (1 of 4 stars). 2 submissions from 2 submitters: Likely benign (1). 1 of the submissions does not count toward it. Last evaluated 2025-08-31.

Conditions:
Immunodeficiency 132A. Also called: Herpes simplex encephalitis, susceptibility to, 3. Identifiers: Orphanet 1930, MedGen C3553868, MONDO:0013920, OMIM 614849.
TRAF3-related disorder. Also called: TRAF3 related condition.

Allele frequency attached by ClinVar (database versions not stated): TOPMed 0.00003; gnomAD 0.00004 and 0.00006; gnomAD exomes 0.00004 and 0.00013; ExAC 0.00005.
gnomAD v4.1: 201 of 1,614,082 alleles (0.012%); highest among the groups gnomAD compares: South Asian, 0.03%; no homozygotes.

Submissions (2):

Labcorp Genetics (formerly Invitae), Labcorp
Classification: Likely benign for Immunodeficiency 132A. Last evaluated: 2025-08-31. Review status: criteria provided, single submitter. Criteria: Invitae Variant Classification Sherloc (09022015). Collection method: clinical testing. Allele origin: germline.

PreventionGenetics, part of Exact Sciences
Classification: Likely benign for TRAF3-related condition. Last evaluated: 2019-02-19. Review status: no assertion criteria provided. Collection method: clinical testing. Allele origin: germline. Not counted in ClinVar's aggregate classification.
Comment: This variant is classified as likely benign based on ACMG/AMP sequence variant interpretation guidelines (Richards et al. 2015 PMID: 25741868, with internal and published modifications).

NM_145725.3(TRAF3):c.1389C>T (p.Asp463=)

Gene: TRAF3 (TNF receptor associated factor 3; plus strand). Cytogenetic location: 14q32.32.
Variant type: single nucleotide variant.
Coding change: c.1389C>T on transcript NM_145725.3 (MANE Select); coding-DNA position 1389, C replaced by T.
Protein change: p.Asp463=; no amino-acid change (aspartic acid 463 retained).
Molecular consequence: synonymous variant.
Genome position (GRCh38, 1-based): chr14:102,905,466, C>T. VCF-style: chr14-102905466-C-T. GRCh37 (hg19) VCF-style: chr14-103371803-C-T.
Other names: c.1389C>T (NM_003300.3); c.1140C>T, p.Asp380= (NM_001199427.2); c.1248C>T, p.Asp416= (NM_001385142.1); c.1308C>T, p.Asp436= (NM_001385143.1); c.1389C>T, p.Asp463= (NM_003300.4); c.1314C>T, p.Asp438= (NM_145726.3).
Identifiers: ClinVar variation 1102365 (VCV001102365.11), dbSNP rs752675828, ClinGen allele CA7359604.